The following is an entry in ClinVar:

ClinVar aggregate classification (germline): Conflicting classifications of pathogenicity. Review status: criteria provided, conflicting classifications (1 of 4 stars). 4 submissions from 4 submitters: Uncertain significance (3); Likely benign (1). Last evaluated 2024-05-24.

Conditions:
Inborn genetic diseases. Identifiers: MedGen C0950123, MeSH D030342.
Donnai-Barrow syndrome. Also called: FACIOOCULOACOUSTICORENAL SYNDROME; DBS/FOAR SYNDROME. Identifiers: Orphanet 2143, MedGen C1857277, MONDO:0009104, OMIM 222448.

Allele frequency attached by ClinVar (database versions not stated): gnomAD exomes 0.00001 and 0.00005; gnomAD 0.00004 and 0.00005; ExAC 0.00005; TOPMed 0.00008.

Submissions (4):

Fulgent Genetics
Classification: Likely benign for Donnai-Barrow syndrome. Last evaluated: 2024-05-24. Review status: criteria provided, single submitter. Criteria: ACMG Guidelines, 2015. Collection method: clinical testing. Allele origin: germline.

Blueprint Genetics
Classification: Uncertain significance. Last evaluated: 2024-03-11. Review status: criteria provided, single submitter. Criteria: ACMG Guidelines, 2015. Collection method: clinical testing. Allele origin: germline.

Labcorp Genetics (formerly Invitae), Labcorp
Classification: Uncertain significance. Last evaluated: 2022-09-27. Review status: criteria provided, single submitter. Criteria: Invitae Variant Classification Sherloc (09022015). Collection method: clinical testing. Allele origin: germline.
Comment: This sequence change replaces arginine, which is basic and polar, with histidine, which is basic and polar, at codon 3835 of the LRP2 protein (p.Arg3835His). This variant is present in population databases (rs368135633, gnomAD 0.05%), including at least one homozygous and/or hemizygous individual. This variant has not been reported in the literature in individuals affected with LRP2-related conditions. ClinVar contains an entry for this variant (Variation ID: 1060104). Algorithms developed to predict the effect of missense changes on protein structure and function are either unavailable or do not agree on the potential impact of this missense change (SIFT: "Deleterious"; PolyPhen-2: "Probably Damaging"; Align-GVGD: "Class C0"). In summary, the available evidence is currently insufficient to determine the role of this variant in disease. Therefore, it has been classified as a Variant of Uncertain Significance.

Ambry Genetics
Classification: Uncertain significance for Inborn genetic diseases. Last evaluated: 2021-07-15. Review status: criteria provided, single submitter. Criteria: Ambry Variant Classification Scheme 2023. Collection method: clinical testing. Allele origin: germline.

NM_004525.3(LRP2):c.11504G>A (p.Arg3835His)

Gene: LRP2 (LDL receptor related protein 2; minus strand). Cytogenetic location: 2q31.1.
Variant type: single nucleotide variant.
Coding change: c.11504G>A on transcript NM_004525.3 (MANE Select); coding-DNA position 11504, G replaced by A.
Protein change: p.Arg3835His; replaces arginine 3835 with histidine.
Molecular consequence: missense variant.
Genome position (GRCh38, 1-based): chr2:169,168,670, C>T on the plus strand (G>A on the coding strand, the complement: LRP2 is on the minus strand). VCF-style: chr2-169168670-C-T. GRCh37 (hg19) VCF-style: chr2-170025180-C-T.
Other names: c.11504G>A (NM_004525.2); short protein forms R3835H.
Identifiers: ClinVar variation 1060104 (VCV001060104.7), dbSNP rs368135633, ClinGen allele CA1953034.